The following is an entry in ClinVar:

NM_001999.4(FBN2):c.6881-5T>G

Gene: FBN2 (fibrillin 2; minus strand). Cytogenetic location: 5q23.3.
Variant type: single nucleotide variant.
Coding change: c.6881-5T>G on transcript NM_001999.4 (MANE Select); 5 bases into the intron before coding-DNA position 6881, T replaced by G.
Molecular consequence: intron variant.
Genome position (GRCh38, 1-based): chr5:128,286,854, A>C on the plus strand (T>G on the coding strand, the complement: FBN2 is on the minus strand). VCF-style: chr5-128286854-A-C. GRCh37 (hg19) VCF-style: chr5-127622546-A-C.
Other names: c.6881-5T>G (NM_001999.3).
Identifiers: ClinVar variation 811845 (VCV000811845.14), dbSNP rs772186151, ClinGen allele CA3394276.

ClinVar aggregate classification (germline): Conflicting classifications of pathogenicity. Review status: criteria provided, conflicting classifications (1 of 4 stars). 3 submissions from 3 submitters: Uncertain significance (2); Likely benign (1). Last evaluated 2024-10-17.

Conditions:
Familial thoracic aortic aneurysm and aortic dissection (TAAD). Also called: Thoracic aortic aneurysms and dissections. Identifiers: Orphanet 91387, MedGen C4707243, MONDO:0019625.
Congenital contractural arachnodactyly (CCA). Also called: BEALS SYNDROME; Arthrogryposis, distal, type 9; Beals-Hecht syndrome. Identifiers: Orphanet 115, MedGen C0220668, MONDO:0007363, OMIM 121050.

Allele frequency attached by ClinVar (database versions not stated): gnomAD exomes 0.00001 and 0.00002; TOPMed 0.00001; gnomAD 0.00002; ExAC 0.00001.
gnomAD v4.1: 10 of 1,613,726 alleles (0.00062%); highest among the groups gnomAD compares: Admixed American, 0.015%; no homozygotes.

Submissions (3):

Labcorp Genetics (formerly Invitae), Labcorp
Classification: Likely benign for Congenital contractural arachnodactyly. Last evaluated: 2024-10-17. Review status: criteria provided, single submitter. Criteria: Invitae Variant Classification Sherloc (09022015). Collection method: clinical testing. Allele origin: germline.

Ambry Genetics
Classification: Uncertain significance for Familial thoracic aortic aneurysm and aortic dissection. Last evaluated: 2023-09-13. Review status: criteria provided, single submitter. Criteria: Ambry Variant Classification Scheme 2023. Collection method: clinical testing. Allele origin: germline.
Comment: The c.6881-5T>G intronic variant results from a T to G substitution 5 nucleotides upstream from coding exon 55 in the FBN2 gene. This nucleotide position is not well conserved in available vertebrate species. In silico splice site analysis predicts that this alteration will not have any significant effect on splicing. Since supporting evidence is limited at this time, the clinical significance of this alteration remains unclear.

ARUP Laboratories, Molecular Genetics and Genomics, ARUP Laboratories
Classification: Uncertain significance. Last evaluated: 2018-12-19. Review status: criteria provided, single submitter. Criteria: ARUP Molecular Germline Variant Investigation Process. Collection method: clinical testing. Allele origin: germline.
Comment: The FBN2 c.6881-5T>G variant (rs772186151), to our knowledge, is not reported in the medical literature or gene specific databases. This variant is found in the Latino population with an allele frequency of 0.020% (7/35,366 alleles) in the Genome Aggregation Database. This is an intronic variant in a weakly conserved nucleotide, but computational analyses (Alamut v.2.11) predict that this variant may impact splicing by weakening the nearby canonical acceptor splice site. However, given the lack of clinical and functional data, the significance of the c.6881-5T>G variant is uncertain at this time.